The following is an entry in ClinVar:

NM_006623.4(PHGDH):c.364C>A (p.Pro122Thr)

Gene: PHGDH (phosphoglycerate dehydrogenase; plus strand). Cytogenetic location: 1p12.
Variant type: single nucleotide variant.
Coding change: c.364C>A on transcript NM_006623.4 (MANE Select); coding-DNA position 364, C replaced by A.
Protein change: p.Pro122Thr; replaces proline 122 with threonine.
Molecular consequence: missense variant.
Genome position (GRCh38, 1-based): chr1:119,726,858, C>A. VCF-style: chr1-119726858-C-A. GRCh37 (hg19) VCF-style: chr1-120269481-C-A.
Other names: short protein forms P122T.
Identifiers: ClinVar variation 5006807 (VCV005006807.2).

ClinVar aggregate classification (germline): Uncertain significance (1 of 4 stars; one submission).

Conditions:
Neu-Laxova syndrome 1 (NLS1). Identifiers: Orphanet 2671, Orphanet 583607, MedGen C4551478, MONDO:0009736, OMIM 256520. Disease mechanism: loss of function.
PHGDH deficiency. Identifiers: Orphanet 79351, MedGen C1866174, MONDO:0011152, OMIM 601815.

Submission:

Juno Genomics, Hangzhou Juno Genomics, Inc
Classification: Uncertain significance for Neu-Laxova syndrome 1; PHGDH deficiency. Review status: criteria provided, single submitter. Criteria: ACMG Guidelines, 2015. Collection method: clinical testing. Allele origin: germline.
Comment: Absent from controls (or at extremely low frequency if recessive) in Genome Aggregation Database.;Multiple lines of computational evidence support a deleterious effect on the gene or gene product.